The following is an entry in ClinVar:

NM_017514.5(PLXNA3):c.1015C>G (p.Leu339Val)

Gene: PLXNA3 (plexin A3; plus strand). Cytogenetic location: Xq28.
Variant type: single nucleotide variant.
Coding change: c.1015C>G on transcript NM_017514.5 (MANE Select); coding-DNA position 1015, C replaced by G.
Protein change: p.Leu339Val; replaces leucine 339 with valine.
Molecular consequence: missense variant.
Genome position (GRCh38, 1-based): chrX:154,461,519, C>G. VCF-style: chrX-154461519-C-G. GRCh37 (hg19) VCF-style: chrX-153689859-C-G.
Other names: short protein forms L339V.
Identifiers: ClinVar variation 2292765 (VCV002292765.4), dbSNP rs781866776, ClinGen allele CA10563881.

ClinVar aggregate classification (germline): Uncertain significance. Review status: criteria provided, multiple submitters, no conflicts (2 of 4 stars). 2 submissions from 2 submitters: Uncertain significance (2). Last evaluated 2024-11-27.

Conditions:
PLXNA3-related disorder. Also called: PLXNA3-related condition.

Allele frequency attached by ClinVar (database versions not stated): ExAC 0.00001; TOPMed 0.00003.
gnomAD v4.1: 13 of 1,210,557 alleles (0.0011%); highest among the groups gnomAD compares: South Asian, 0.0053%; no homozygotes.

Submissions (2):

PreventionGenetics, part of Exact Sciences
Classification: Uncertain significance for PLXNA3-related condition. Last evaluated: 2024-11-27. Review status: criteria provided, single submitter. Criteria: ACMG Guidelines, 2015. Collection method: clinical testing. Allele origin: germline.
Comment: The PLXNA3 c.1015C>G variant is predicted to result in the amino acid substitution p.Leu339Val. To our knowledge, this variant has not been reported in the literature. This variant is reported in 0.0052% of alleles in individuals of South Asian descent in gnomAD. At this time, the clinical significance of this variant is uncertain due to the absence of conclusive functional and genetic evidence.

Ambry Genetics
Classification: Uncertain significance. Last evaluated: 2022-05-27. Review status: criteria provided, single submitter. Criteria: Ambry Variant Classification Scheme 2023. Collection method: clinical testing. Allele origin: germline.